The following is an entry in ClinVar:

NM_020911.2(PLXNA4):c.1876G>A (p.Glu626Lys)

Gene: PLXNA4 (plexin A4; minus strand). Cytogenetic location: 7q32.3.
Variant type: single nucleotide variant.
Coding change: c.1876G>A on transcript NM_020911.2 (MANE Select); coding-DNA position 1876, G replaced by A.
Protein change: p.Glu626Lys; replaces glutamic acid 626 with lysine.
Molecular consequence: missense variant.
Genome position (GRCh38, 1-based): chr7:132,227,457, C>T on the plus strand (G>A on the coding strand, the complement: PLXNA4 is on the minus strand). VCF-style: chr7-132227457-C-T. GRCh37 (hg19) VCF-style: chr7-131912216-C-T.
Other names: c.1876G>A, p.Glu626Lys (NM_001393897.1); short protein forms E626K.
Identifiers: ClinVar variation 3358654 (VCV003358654.1).

ClinVar aggregate classification (germline): Uncertain significance (0 of 4 stars; one submission).

Conditions:
PLXNA4-related disorder. Also called: PLXNA4-related condition.

gnomAD v4.1: 5 of 1,614,186 alleles (0.00031%); highest among the groups gnomAD compares: Non-Finnish European, 0.00017%; no homozygotes.

Submission:

PreventionGenetics, part of Exact Sciences
Classification: Uncertain significance for PLXNA4-related condition. Last evaluated: 2024-08-09. Review status: no assertion criteria provided. Collection method: clinical testing. Allele origin: germline.
Comment: The PLXNA4 c.1876G>A variant is predicted to result in the amino acid substitution p.Glu626Lys. To our knowledge, this variant has not been reported in the literature. This variant is reported in 0.0018% of alleles in individuals of European (Non-Finnish) descent in gnomAD. At this time, the clinical significance of this variant is uncertain due to the absence of conclusive functional and genetic evidence.